The following is an entry in ClinVar:

NM_138927.4(SON):c.1055A>G (p.Asp352Gly)

Gene: SON (SON DNA and RNA binding protein; plus strand). Cytogenetic location: 21q22.11.
Variant type: single nucleotide variant.
Coding change: c.1055A>G on transcript NM_138927.4 (MANE Select); coding-DNA position 1055, A replaced by G.
Protein change: p.Asp352Gly; replaces aspartic acid 352 with glycine.
Molecular consequence: missense variant. On other transcripts: non-coding transcript variant (1), intron variant (1).
Genome position (GRCh38, 1-based): chr21:33,550,286, A>G. VCF-style: chr21-33550286-A-G. GRCh37 (hg19) VCF-style: chr21-34922592-A-G.
Other names: c.1055A>G, p.Asp352Gly (NM_001291411.2, NM_001412133.1, NM_032195.3 and 2 more transcripts); c.244+3907A>G (NM_001291412.3); short protein forms D352G.
Identifiers: ClinVar variation 2812577 (VCV002812577.3), dbSNP rs2085734496, ClinGen allele CA410153053.

ClinVar aggregate classification (germline): Uncertain significance (1 of 4 stars; one submission).

Submission:

Labcorp Genetics (formerly Invitae), Labcorp
Classification: Uncertain significance. Last evaluated: 2022-11-07. Review status: criteria provided, single submitter. Criteria: Invitae Variant Classification Sherloc (09022015). Collection method: clinical testing. Allele origin: germline.
Comment: In summary, the available evidence is currently insufficient to determine the role of this variant in disease. Therefore, it has been classified as a Variant of Uncertain Significance. Algorithms developed to predict the effect of missense changes on protein structure and function output the following: SIFT: "Deleterious"; PolyPhen-2: "Possibly Damaging"; Align-GVGD: "Class C0". The glycine amino acid residue is found in multiple mammalian species, which suggests that this missense change does not adversely affect protein function. This variant has not been reported in the literature in individuals affected with SON-related conditions. This variant is not present in population databases (gnomAD no frequency). This sequence change replaces aspartic acid, which is acidic and polar, with glycine, which is neutral and non-polar, at codon 352 of the SON protein (p.Asp352Gly).